The following is an entry in ClinVar:

ClinVar aggregate classification (germline): Conflicting classifications of pathogenicity. Review status: criteria provided, conflicting classifications (1 of 4 stars). 8 submissions from 8 submitters: Uncertain significance (2); Likely benign (4). 2 of the submissions do not count toward it. Last evaluated 2025-09-09.

Conditions:
GJB2-related disorder. Also called: GJB2-related condition; GJB2-related disorders. Identifiers: MedGen CN382183, MONDO:1060236.
Inborn genetic diseases. Identifiers: MedGen C0950123, MeSH D030342.
Nonsyndromic genetic hearing loss. Also called: Nonsyndromic genetic deafness; Nonsyndromic hearing loss and deafness; Non-syndromic genetic deafness. Identifiers: Orphanet 87884, MedGen C5680182, MONDO:0019497.
Autosomal recessive nonsyndromic hearing loss 1A (DFNB1A). Also called: GJB2-Related Autosomal Recessive Nonsyndromic Hearing Loss; GJB6-Related DFNB 1 Nonsyndromic Hearing Loss and Deafness; Connexin 26 deafness; Deafness nonsyndromic, Connexin 26 linked; Deafness, autosomal recessive 1A; Nonsyndromic Hearing Loss and Deafness, DFNB1. Identifiers: Orphanet 90636, MedGen C2673759, MONDO:0009076, OMIM 220290.

Allele frequency attached by ClinVar (database versions not stated): ExAC 0.00004; gnomAD exomes 0.00004; gnomAD 0.00005 and 0.00007; TOPMed 0.00006.
gnomAD v4.1: 69 of 1,614,038 alleles (0.0043%); highest among the groups gnomAD compares: Admixed American, 0.012%; no homozygotes.

Submissions (8):

PreventionGenetics, part of Exact Sciences
Classification: Likely benign for GJB2-related condition. Last evaluated: 2025-09-09. Review status: criteria provided, single submitter. Criteria: ACMG Guidelines, 2015. Collection method: clinical testing. Allele origin: germline.
Comment: This variant is classified as likely benign based on ACMG/AMP sequence variant interpretation guidelines (Richards et al. 2015 PMID: 25741868, with internal and published modifications).

Ambry Genetics
Classification: Likely benign for Inborn genetic diseases. Last evaluated: 2024-10-09. Review status: criteria provided, single submitter. Criteria: Ambry Variant Classification Scheme 2023. Collection method: clinical testing. Allele origin: germline.

Labcorp Genetics (formerly Invitae), Labcorp
Classification: Likely benign. Last evaluated: 2024-01-18. Review status: criteria provided, single submitter. Criteria: Invitae Variant Classification Sherloc (09022015). Collection method: clinical testing. Allele origin: germline.

INGEBI, INGEBI / CONICET
Classification: Uncertain significance for Nonsyndromic hearing loss and deafness. Last evaluated: 2020-08-31. Review status: criteria provided, single submitter. Criteria: ClinGen HL ACMG Specifications v1. Collection method: clinical testing. Allele origin: germline. Inheritance: Autosomal recessive inheritance. Affected: yes. Observed: 1 variant allele, 1 heterozygote.
Comment: Based on ACMG/AMP guidelines and Hearing Loss Expert Panel specific criteria: the filtering allele frequency of the c.24G>A, p.(Thr8=) variant in GJB2 gene is 0,0056% (5/34592 Latino alleles with 95%CI) from Genome Aggregation Database (calculated by using inverse allele frequency at an online resource) which meets the criteria to apply to PM2 criteria. This variant has been identified twice in heterozygous state (PMID: 23668481, 24158611). A potential alteration of splicing was predicted by Human Splicing Finder system and Mutation Tester software applying to PP3 rule. In summary, the clinical significance of this variant is currently uncertain (PM2, PP3).

GeneDx
Classification: Likely benign. Last evaluated: 2020-02-21. Review status: criteria provided, single submitter. Criteria: GeneDx Variant Classification Process June 2021. Collection method: clinical testing. Allele origin: germline. Affected: yes.
Comment: This variant is associated with the following publications: (PMID: 33096615, 23668481, 24158611, 30245029)

Deafness research group, Biosystems & Integrative Sciences Institute, University of Lisbon
Classification: Uncertain significance for Deafness, autosomal recessive 1A. Last evaluated: 2012-12-12. Review status: criteria provided, single submitter. Criteria: Submitter's publication. Collection method: clinical testing. Allele origin: unknown. Affected: yes. Observed: 1 variant allele, 1 heterozygote.

Natera, Inc.
Classification: Likely benign for Autosomal recessive deafness type 1A. Last evaluated: 2020-02-17. Review status: no assertion criteria provided. Collection method: clinical testing. Allele origin: germline. Not counted in ClinVar's aggregate classification.

Counsyl
Classification: Uncertain significance for Autosomal recessive nonsyndromic hearing loss 1A. Last evaluated: 2017-11-14. Review status: no assertion criteria provided. Collection method: clinical testing. Allele origin: unknown. Not counted in ClinVar's aggregate classification.

Literature cited by the submitters: PubMed 24158611 (cited by INGEBI, INGEBI / CONICET and Counsyl); PubMed 23668481 (cited by INGEBI, INGEBI / CONICET and Counsyl).

NM_004004.6(GJB2):c.24G>A (p.Thr8=)

Gene: GJB2 (gap junction protein beta 2; minus strand). Cytogenetic location: 13q12.11.
Variant type: single nucleotide variant.
Coding change: c.24G>A on transcript NM_004004.6 (MANE Select); coding-DNA position 24, G replaced by A.
Protein change: p.Thr8=; no amino-acid change (threonine 8 retained).
Molecular consequence: synonymous variant.
Genome position (GRCh38, 1-based): chr13:20,189,558, C>T on the plus strand (G>A on the coding strand, the complement: GJB2 is on the minus strand). VCF-style: chr13-20189558-C-T. GRCh37 (hg19) VCF-style: chr13-20763697-C-T.
Identifiers: ClinVar variation 192228 (VCV000192228.24), dbSNP rs533231493, ClinGen allele CA274828.
Genomic context (GRCh38, chr13:20,189,558, plus strand): 5'-GAGGACGGTGAGCCAGATCTTTCCAATGCTGGTGGAGTGTTTGTTCACACCCCCCAGGAT[C>T]GTCTGCAGCGTGCCCCAATCCATCTTCTACTCTGGGCGGTTTGCTCTGGAAAAGACGAAT-3'
Protein context (NP_003995.2, residues 1-18): MDWGTLQ[Thr8=]ILGGVNKHST